The following is an entry in ClinVar:

NM_000059.4(BRCA2):c.9399_9400delinsTT (p.Gly3134Cys)

Gene: BRCA2 (BRCA2 DNA repair associated; plus strand). Cytogenetic location: 13q13.1.
Variant type: Indel.
Coding change: c.9399_9400delinsTT on transcript NM_000059.4 (MANE Select); coding-DNA positions 9399 to 9400, AG replaced by TT.
Protein change: p.Gly3134Cys; replaces glycine 3134 with cysteine.
Molecular consequence: missense variant. On other transcripts: non-coding transcript variant (1).
Genome position (GRCh38, 1-based): chr13:32,394,831-32,394,832, AG replaced by TT. VCF-style: chr13-32394831-AG-TT. GRCh37 (hg19) VCF-style: chr13-32968968-AG-TT.
Other names: c.9303_9304delinsTT, p.Gly3102Cys (NM_001406719.1); c.9348_9349delinsTT, p.Gly3117Cys (NM_001406720.1); c.4467_4468delinsTT, p.Gly1490Cys (NM_001406721.1); c.2982_2983delinsTT, p.Gly995Cys (NM_001406722.1); c.9399_9400delinsTT, p.Gly3134Cys (NM_001432077.1); short protein forms G1490C, G3102C, G3117C, G3134C, G995C.
Identifiers: ClinVar variation 3612213 (VCV003612213.2).
Genomic context (GRCh38, chr13:32,394,831, plus strand): 5'-TATTAAGCCTCATATGTTAATTGCTGCAAGCAACCTCCAGTGGCGACCAGAATCCAAATC[AG>TT]GCCTTCTTACTTTATTTGCTGGAGATTTTTCTGTGTTTTCTGCTAGTCCAAAAGAGGGCC-3'
Protein context (NP_000050.3, residues 3124-3144): NLQWRPESKS[Gly3134Cys]LLTLFAGDFS

ClinVar aggregate classification (germline): Uncertain significance (1 of 4 stars; one submission).

Conditions:
Hereditary breast ovarian cancer syndrome. Also called: Hereditary breast and ovarian cancer syndrome; Breast and ovarian cancer; Hereditary breast and ovarian cancer syndrome (HBOC); Hereditary breast and ovarian cancer; BRCA1- and BRCA2-Associated Hereditary Breast and Ovarian Cancer; Hereditary breast and/or ovarian cancer syndrome. Identifiers: Orphanet 145, MedGen C0677776, MeSH D061325, MONDO:0003582. Disease mechanism: loss of function.

Submission:

Labcorp Genetics (formerly Invitae), Labcorp
Classification: Uncertain significance for Hereditary breast ovarian cancer syndrome. Last evaluated: 2025-01-02. Review status: criteria provided, single submitter. Criteria: Invitae Variant Classification Sherloc (09022015). Collection method: clinical testing. Allele origin: germline.
Comment: This sequence change replaces glycine, which is neutral and non-polar, with cysteine, which is neutral and slightly polar, at codon 3134 of the BRCA2 protein (p.Gly3134Cys). Information on the frequency of this variant in the gnomAD database is not available, as this variant may be reported differently in the database. This variant has not been reported in the literature in individuals affected with BRCA2-related conditions. Experimental studies and prediction algorithms are not available or were not evaluated, and the functional significance of this variant is currently unknown. In summary, the available evidence is currently insufficient to determine the role of this variant in disease. Therefore, it has been classified as a Variant of Uncertain Significance.